The following is an entry in ClinVar:

NM_172364.5(CACNA2D4):c.2473A>G (p.Ser825Gly)

Gene: CACNA2D4 (calcium voltage-gated channel auxiliary subunit alpha2delta 4; minus strand). Cytogenetic location: 12p13.33.
Variant type: single nucleotide variant.
Coding change: c.2473A>G on transcript NM_172364.5 (MANE Select); coding-DNA position 2473, A replaced by G.
Protein change: p.Ser825Gly; replaces serine 825 with glycine.
Molecular consequence: missense variant.
Genome position (GRCh38, 1-based): chr12:1,840,817, T>C on the plus strand (A>G on the coding strand, the complement: CACNA2D4 is on the minus strand). VCF-style: chr12-1840817-T-C. GRCh37 (hg19) VCF-style: chr12-1949983-T-C.
Other names: short protein forms S825G.
Identifiers: ClinVar variation 1390844 (VCV001390844.7), dbSNP rs1276028711, ClinGen allele CA383357314.
Genomic context (GRCh38, chr12:1,840,817, plus strand): 5'-TCTTGTCCACGGTCACCGCCACAGCTGTGCTTGCCGTCACCACCATGGGTTCACCCGCAC[T>C]TTCTGGGGAAACAGAGACAACCCAGTCATGGGGAAGAGCTGTGGTTGGGGCAGGTGGAGC-3'
Protein context (NP_758952.4, residues 815-835): FNLRWAEGPE[Ser825Gly]AGEPMVVTAS

ClinVar aggregate classification (germline): Uncertain significance. Review status: criteria provided, multiple submitters, no conflicts (2 of 4 stars). 2 submissions from 2 submitters: Uncertain significance (2). Last evaluated 2021-09-23.

Allele frequency attached by ClinVar (database versions not stated): gnomAD exomes below 0.00001.
gnomAD v4.1: 4 of 1,602,086 alleles (0.00025%); highest among the groups gnomAD compares: Non-Finnish European, 0.00034%; no homozygotes.

Submissions (2):

Labcorp Genetics (formerly Invitae), Labcorp
Classification: Uncertain significance. Last evaluated: 2021-09-23. Review status: criteria provided, single submitter. Criteria: Invitae Variant Classification Sherloc (09022015). Collection method: clinical testing. Allele origin: germline.
Comment: This sequence change replaces serine with glycine at codon 825 of the CACNA2D4 protein (p.Ser825Gly). The serine residue is weakly conserved and there is a small physicochemical difference between serine and glycine. This variant is not present in population databases (ExAC no frequency). This variant has not been reported in the literature in individuals affected with CACNA2D4-related conditions. Algorithms developed to predict the effect of missense changes on protein structure and function output the following: SIFT: "Tolerated"; PolyPhen-2: "Benign"; Align-GVGD: "Class C0". The glycine amino acid residue is found in multiple mammalian species, which suggests that this missense change does not adversely affect protein function. Algorithms developed to predict the effect of sequence changes on RNA splicing suggest that this variant may create or strengthen a splice site. In summary, the available evidence is currently insufficient to determine the role of this variant in disease. Therefore, it has been classified as a Variant of Uncertain Significance.

Blueprint Genetics
Classification: Uncertain significance. Last evaluated: 2021-06-09. Review status: criteria provided, single submitter. Criteria: ACMG Guidelines, 2015. Collection method: clinical testing. Allele origin: germline.